The following is an entry in ClinVar:

ClinVar aggregate classification (germline): Uncertain significance. Review status: criteria provided, multiple submitters, no conflicts (2 of 4 stars). 2 submissions from 2 submitters: Uncertain significance (2). Last evaluated 2025-04-06.

Conditions:
Combined immunodeficiency due to STIM1 deficiency. Also called: STIM1 DEFICIENCY; IMMUNODEFICIENCY 10. Identifiers: Orphanet 169090, Orphanet 317430, MedGen C2748557, MONDO:0013008, OMIM 612783.
Stormorken syndrome (STRMK). Also called: THROMBOCYTOPATHY, ASPLENIA, AND MIOSIS. Identifiers: Orphanet 3204, MedGen C1861451, MONDO:0008497, OMIM 185070.
Myopathy with tubular aggregates (TAM). Also called: Tubular Aggregate Myopathy. Identifiers: Orphanet 2593, MedGen C0410207, MONDO:0008051.
Inborn genetic diseases. Identifiers: MedGen C0950123, MeSH D030342.

Allele frequency attached by ClinVar (database versions not stated): gnomAD exomes 0.00001; TOPMed below 0.00001; ExAC 0.00001.
gnomAD v4.1: 5 of 1,614,168 alleles (0.00031%); highest among the groups gnomAD compares: African/African-American, 0.0027%; no homozygotes.

Submissions (2):

Labcorp Genetics (formerly Invitae), Labcorp
Classification: Uncertain significance for Myopathy with tubular aggregates; Combined immunodeficiency due to STIM1 deficiency; Stormorken syndrome. Last evaluated: 2025-04-06. Review status: criteria provided, single submitter. Criteria: Invitae Variant Classification Sherloc (09022015). Collection method: clinical testing. Allele origin: germline.
Comment: This sequence change replaces glycine, which is neutral and non-polar, with serine, which is neutral and polar, at codon 226 of the STIM1 protein (p.Gly226Ser). This variant is present in population databases (rs776685559, gnomAD 0.004%). This variant has not been reported in the literature in individuals affected with STIM1-related conditions. ClinVar contains an entry for this variant (Variation ID: 2609269). Invitae Evidence Modeling of protein sequence and biophysical properties (such as structural, functional, and spatial information, amino acid conservation, physicochemical variation, residue mobility, and thermodynamic stability) has been performed for this missense variant. However, the output from this modeling did not meet the statistical confidence thresholds required to predict the impact of this variant on STIM1 protein function. In summary, the available evidence is currently insufficient to determine the role of this variant in disease. Therefore, it has been classified as a Variant of Uncertain Significance.

Ambry Genetics
Classification: Uncertain significance for Inborn genetic diseases. Last evaluated: 2023-06-30. Review status: criteria provided, single submitter. Criteria: Ambry Variant Classification Scheme 2023. Collection method: clinical testing. Allele origin: germline.

NM_001382567.1(STIM1):c.676G>A (p.Gly226Ser)

Gene: STIM1 (stromal interaction molecule 1; plus strand). Cytogenetic location: 11p15.4.
Variant type: single nucleotide variant.
Coding change: c.676G>A on transcript NM_001382567.1 (MANE Select); coding-DNA position 676, G replaced by A.
Protein change: p.Gly226Ser; replaces glycine 226 with serine.
Molecular consequence: missense variant. On other transcripts: non-coding transcript variant (2).
Genome position (GRCh38, 1-based): chr11:4,070,088, G>A. VCF-style: chr11-4070088-G-A. GRCh37 (hg19) VCF-style: chr11-4091318-G-A.
Other names: c.676G>A, p.Gly226Ser (NM_001277961.3, NM_001277962.2, NM_001382568.1 and 2 more transcripts); c.454G>A, p.Gly152Ser (NM_001382566.1, NM_001382573.1, NM_001382574.1 and 5 more transcripts); c.541G>A, p.Gly181Ser (NM_001382569.1); c.448G>A, p.Gly150Ser (NM_001382570.1); c.196G>A, p.Gly66Ser (NM_001382571.1); c.187G>A, p.Gly63Ser (NM_001382580.1, NM_001382581.1); short protein forms G152S, G181S, G226S, G63S, G150S, G66S.
Identifiers: ClinVar variation 2609269 (VCV002609269.3), dbSNP rs776685559, ClinGen allele CA5830292.